The following is an entry in ClinVar:

NM_001387430.1(SH2B1):c.1087C>A (p.His363Asn)

Gene: SH2B1 (SH2B adaptor protein 1; plus strand). Cytogenetic location: 16p11.2.
Variant type: single nucleotide variant.
Coding change: c.1087C>A on transcript NM_001387430.1 (MANE Select); coding-DNA position 1087, C replaced by A.
Protein change: p.His363Asn; replaces histidine 363 with asparagine.
Molecular consequence: missense variant.
Genome position (GRCh38, 1-based): chr16:28,869,051, C>A. VCF-style: chr16-28869051-C-A. GRCh37 (hg19) VCF-style: chr16-28880372-C-A.
Other names: c.1087C>A, p.His363Asn (NM_001145795.2, NM_001145796.2, NM_001145797.2 and 4 more transcripts); c.79C>A, p.His27Asn (NM_001308294.2); short protein forms H27N, H363N.
Identifiers: ClinVar variation 3348781 (VCV003348781.2).

ClinVar aggregate classification (germline): Uncertain significance (1 of 4 stars; one submission).

Conditions:
SH2B1-related disorder. Also called: SH2B1-related condition.

Submission:

PreventionGenetics, part of Exact Sciences
Classification: Uncertain significance for SH2B1-related condition. Last evaluated: 2025-07-22. Review status: criteria provided, single submitter. Criteria: ACMG Guidelines, 2015. Collection method: clinical testing. Allele origin: germline.
Comment: The SH2B1 c.1087C>A variant is predicted to result in the amino acid substitution p.His363Asn. To our knowledge, this variant has not been reported in the literature or in a large population database, indicating this variant is rare. At this time, the clinical significance of this variant is uncertain due to the absence of conclusive functional and genetic evidence.